The following is an entry in ClinVar:

ClinVar aggregate classification (germline): Uncertain significance (1 of 4 stars; one submission).

Conditions:
Hereditary cancer-predisposing syndrome. Also called: Neoplastic Syndromes, Hereditary; Tumor predisposition; Hereditary Cancer Syndrome; Hereditary neoplastic syndrome. Identifiers: Orphanet 140162, MedGen C0027672, MeSH D009386, MONDO:0015356.

gnomAD v4.1: 1 of 1,614,052 alleles (0.000062%); highest among the groups gnomAD compares: Non-Finnish European, 0.000085%; no homozygotes.

Submission:

Ambry Genetics
Classification: Uncertain significance for Hereditary cancer-predisposing syndrome. Last evaluated: 2026-04-21. Review status: criteria provided, single submitter. Criteria: Ambry Variant Classification Scheme 2023. Collection method: clinical testing. Allele origin: germline.
Comment: The p.E2446K variant (also known as c.7336G>A), located in coding exon 15 of the APC gene, results from a G to A substitution at nucleotide position 7336. The glutamic acid at codon 2446 is replaced by lysine, an amino acid with similar properties. This amino acid position is highly conserved in available vertebrate species. In addition, in silico predictors for this gene do not accurately predict pathogenicity. Missense variants in APC are not a common cause of disease (Spier I et al. Genet Med. 2024 Feb;26(2):100992). Based on the available evidence, the clinical significance of this variant remains unclear.

NM_000038.6(APC):c.7336G>A (p.Glu2446Lys)

Gene: APC (APC regulator of Wnt signaling pathway; plus strand). Cytogenetic location: 5q22.2.
Variant type: single nucleotide variant.
Coding change: c.7336G>A on transcript NM_000038.6 (MANE Select); coding-DNA position 7336, G replaced by A.
Protein change: p.Glu2446Lys; replaces glutamic acid 2446 with lysine.
Molecular consequence: missense variant. On other transcripts: non-coding transcript variant (2).
Genome position (GRCh38, 1-based): chr5:112,842,930, G>A. VCF-style: chr5-112842930-G-A. GRCh37 (hg19) VCF-style: chr5-112178627-G-A.
Other names: c.7366G>A, p.Glu2456Lys (NM_001354897.2); c.7261G>A, p.Glu2421Lys (NM_001354898.2); c.7252G>A, p.Glu2418Lys (NM_001354899.2); c.7033G>A, p.Glu2345Lys (NM_001407460.1, NM_001407458.1, NM_001407459.1 and 1 more transcripts); c.6949G>A, p.Glu2317Lys (NM_001407467.1, NM_001407469.1); c.6487G>A, p.Glu2163Lys (NM_001407470.1, NM_001354906.2); c.6184G>A, p.Glu2062Lys (NM_001407471.1, NM_001407472.1); c.7315G>A, p.Glu2439Lys (NM_001407451.1); and 11 more; short protein forms E2062K, E2163K, E2286K, E2317K, E2320K, E2345K, E2355K, E2363K.
Identifiers: ClinVar variation 4860281 (VCV004860281.1).
Genomic context (GRCh38, chr5:112,842,930, plus strand): 5'-GGAAGTGAATCTGATAGATCAGAAAGACCTGTATTAGTACGCCAGTCAACTTTCATCAAA[G>A]AAGCTCCAAGCCCAACCTTAAGAAGAAAATTGGAGGAATCTGCTTCATTTGAATCTCTTT-3'
Protein context (NP_000029.2, residues 2436-2456): VLVRQSTFIK[Glu2446Lys]APSPTLRRKL